The following is an entry in ClinVar:

ClinVar aggregate classification (germline): Uncertain significance. Review status: criteria provided, multiple submitters, no conflicts (2 of 4 stars). 3 submissions from 3 submitters: Uncertain significance (2). 1 of the submissions does not count toward it. Last evaluated 2025-03-22.

Conditions:
KAT6B-related disorder. Also called: KAT6B-related disorders; KAT6B-related condition.
Genitopatellar syndrome (GTPTS). Also called: ABSENT PATELLAE, SCROTAL HYPOPLASIA, RENAL ANOMALIES, FACIAL DYSMORPHISM, AND MENTAL RETARDATION; Genitopatellar syndrome (GPS). Identifiers: Orphanet 85201, MedGen C1853566, MONDO:0011640, OMIM 606170.

Submissions (3):

Labcorp Genetics (formerly Invitae), Labcorp
Classification: Uncertain significance for Genitopatellar syndrome. Last evaluated: 2025-03-22. Review status: criteria provided, single submitter. Criteria: Invitae Variant Classification Sherloc (09022015). Collection method: clinical testing. Allele origin: germline.
Comment: This variant, c.1809_1811del, results in the deletion of 1 amino acid(s) of the KAT6B protein (p.Ser605del), but otherwise preserves the integrity of the reading frame. This variant is not present in population databases (gnomAD no frequency). This variant has not been reported in the literature in individuals affected with KAT6B-related conditions. Experimental studies and prediction algorithms are not available or were not evaluated, and the functional significance of this variant is currently unknown. In summary, the available evidence is currently insufficient to determine the role of this variant in disease. Therefore, it has been classified as a Variant of Uncertain Significance.

PreventionGenetics, part of Exact Sciences
Classification: Uncertain significance for KAT6B-related condition. Last evaluated: 2023-01-25. Review status: criteria provided, single submitter. Criteria: ACMG Guidelines, 2015. Collection method: clinical testing. Allele origin: germline.
Comment: The KAT6B c.1809_1811delCTC variant is predicted to result in an in-frame deletion (p.Ser605del). To our knowledge, this variant has not been reported in the literature. This variant is reported in 0.00088% of alleles in individuals of European (Non-Finnish) descent in gnomAD. At this time, the clinical significance of this variant is uncertain due to the absence of conclusive functional and genetic evidence.

Gharavi Laboratory, Columbia University
Classification: Uncertain significance. Last evaluated: 2018-09-16. Review status: no assertion criteria provided. Criteria: ACMG Guidelines, 2015. Collection method: research. Allele origin: germline. Affected: yes. Not counted in ClinVar's aggregate classification.

NM_012330.4(KAT6B):c.1800CTC[3] (p.Ser605del)

Gene: KAT6B (lysine acetyltransferase 6B; plus strand). Cytogenetic location: 10q22.2.
Variant type: Microsatellite.
Coding change: c.1800CTC[3] on transcript NM_012330.4 (MANE Select); three copies in a row of the 3-base unit CTC starting at c.1800; the reference has four copies in a row; one copy, 3 bases deleted.
Protein change: p.Ser605del; deletes serine 605.
Molecular consequence: inframe deletion. On other transcripts: intron variant (13).
Genome position (GRCh38, 1-based): chr10:74,976,146-74,976,148, CTC deleted; deleting any 3 consecutive bases within chr10:74,976,137-74,976,148 gives the same sequence; the position shown is the placement nearest the transcript's 3' end. VCF-style (leftmost placement, unchanged base first): chr10-74976136-ACTC-A. GRCh37 (hg19) VCF-style: chr10-76735894-ACTC-A.
Other names: c.1809_1811delCTC (NM_012330.3); c.1800CTC[3], p.Ser605del (NM_001370136.1, NM_001370137.1); c.1117+683CTC[3] (NM_001370139.1, NM_001370140.1, NM_001370141.1 and 3 more transcripts); c.1444+356CTC[3] (NM_001370138.1, NM_001256468.2); c.846+6362CTC[3] (NM_001370133.1); c.193-3087CTC[3] (NM_001370134.1); c.929-1179CTC[3] (NM_001370143.1, NM_001370144.1); c.193-12882CTC[3] (NM_001370135.1); short protein forms S605del.
Identifiers: ClinVar variation 591060 (VCV000591060.3), dbSNP rs1564600378, ClinGen allele CA891862729.